The following is an entry in ClinVar:

ClinVar aggregate classification (germline): Likely pathogenic. Review status: criteria provided, multiple submitters, no conflicts (2 of 4 stars). 2 submissions from 2 submitters: Likely pathogenic (2). Last evaluated 2025-09-11.

Conditions:
Alport syndrome. Also called: Hemorrhagic familial nephritis; Hemorrhagic hereditary nephritis; Congenital hereditary hematuria. Identifiers: Orphanet 63, MedGen C1567741, MONDO:0018965.
Autosomal dominant Alport syndrome (ATS3A). Also called: Alport syndrome dominant type; Renal failure and sensorineural hearing loss; ALPORT SYNDROME 3A, AUTOSOMAL DOMINANT. Identifiers: Orphanet 63, Orphanet 88918, MedGen C5882663, MONDO:0007086, OMIM 104200.
Hematuria, benign familial, 2 (BFH2). Identifiers: MedGen C5830421, MONDO:0958186, OMIM 620320.
Alport syndrome 3b, autosomal recessive. Identifiers: MedGen C5882699, MONDO:0957811, OMIM 620536.

gnomAD v4.1: 2 of 1,608,766 alleles (0.00012%); highest among the groups gnomAD compares: Admixed American, 0.0017%; no homozygotes.

Submissions (2):

Natera, Inc.
Classification: Likely pathogenic for Alport syndrome. Last evaluated: 2025-09-11. Review status: criteria provided, single submitter. Criteria: Natera Variant Classification Schema (03/2026). Collection method: clinical testing. Allele origin: germline.
Comment: The c.2143G>A variant in COL4A3 is a missense variant predicted to cause substitution of glycine to serine at amino acid 715. This variant is rare in the general population with a frequency below the threshold expected for the associated phenotype(s). This variant is located in a functionally critical region of the protein. Computational prediction algorithms indicate this variant is likely to affect gene or protein function. Given the available evidence, this variant is classified as Likely Pathogenic.

Fulgent Genetics
Classification: Likely pathogenic for Autosomal dominant Alport syndrome; Hematuria, benign familial, 2; Alport syndrome 3b, autosomal recessive. Last evaluated: 2024-06-04. Review status: criteria provided, single submitter. Criteria: ACMG Guidelines, 2015. Collection method: clinical testing. Allele origin: germline.

NM_000091.5(COL4A3):c.2143G>A (p.Gly715Ser)

Genes: MFF-DT (MFF divergent transcript; minus strand), COL4A3 (collagen type IV alpha 3 chain; plus strand). Cytogenetic location: 2q36.3.
Variant type: single nucleotide variant.
Coding change: c.2143G>A on transcript NM_000091.5 (MANE Select); coding-DNA position 2143, G replaced by A.
Protein change: p.Gly715Ser; replaces glycine 715 with serine.
Molecular consequence: missense variant.
Genome position (GRCh38, 1-based): chr2:227,279,810, G>A. VCF-style: chr2-227279810-G-A. GRCh37 (hg19) VCF-style: chr2-228144526-G-A.
Other names: short protein forms G715S.
Identifiers: ClinVar variation 3586046 (VCV003586046.2).
Genomic context (GRCh38, chr2:227,279,810, plus strand): 5'-TAAGACTAATCCTACAACAATGTTTATTGTTTTTTCTCTGTAGGAGACCAAGGTTTTCCA[G>A]GTACAAAAGGATCACTGGGTTGTCCTGGAAAAATGGGAGAGCCTGGGTTACCTGGAAAGC-3'
Protein context (NP_000082.2, residues 705-725): PGPKGDQGFP[Gly715Ser]TKGSLGCPGK